The following is an entry in ClinVar:

NM_017612.5(ZCCHC8):c.1492A>C (p.Ser498Arg)

Gene: ZCCHC8 (zinc finger CCHC-type containing 8; minus strand). Cytogenetic location: 12q24.31.
Variant type: single nucleotide variant.
Coding change: c.1492A>C on transcript NM_017612.5 (MANE Select); coding-DNA position 1492, A replaced by C.
Protein change: p.Ser498Arg; replaces serine 498 with arginine.
Molecular consequence: missense variant.
Genome position (GRCh38, 1-based): chr12:122,474,129, T>G on the plus strand (A>C on the coding strand, the complement: ZCCHC8 is on the minus strand). VCF-style: chr12-122474129-T-G. GRCh37 (hg19) VCF-style: chr12-122958676-T-G.
Other names: c.1261A>C, p.Ser421Arg (NM_001350935.2); c.1195A>C, p.Ser399Arg (NM_001350936.2); c.778A>C, p.Ser260Arg (NM_001350937.2, NM_001350938.2); short protein forms S399R, S421R, S260R, S498R.
Identifiers: ClinVar variation 2714034 (VCV002714034.3), dbSNP rs2547194653, ClinGen allele CA387048955.

ClinVar aggregate classification (germline): Uncertain significance (1 of 4 stars; one submission).

Submission:

Labcorp Genetics (formerly Invitae), Labcorp
Classification: Uncertain significance. Last evaluated: 2024-01-29. Review status: criteria provided, single submitter. Criteria: Invitae Variant Classification Sherloc (09022015). Collection method: clinical testing. Allele origin: germline.
Comment: This sequence change replaces serine, which is neutral and polar, with arginine, which is basic and polar, at codon 498 of the ZCCHC8 protein (p.Ser498Arg). This variant is not present in population databases (gnomAD no frequency). This variant has not been reported in the literature in individuals affected with ZCCHC8-related conditions. Advanced modeling of protein sequence and biophysical properties (such as structural, functional, and spatial information, amino acid conservation, physicochemical variation, residue mobility, and thermodynamic stability) performed at Invitae indicates that this missense variant is not expected to disrupt ZCCHC8 protein function with a negative predictive value of 80%. In summary, the available evidence is currently insufficient to determine the role of this variant in disease. Therefore, it has been classified as a Variant of Uncertain Significance.